The following is an entry in ClinVar:

NM_004933.3(CDH15):c.125G>T (p.Arg42Leu)

Gene: CDH15 (cadherin 15; plus strand). Cytogenetic location: 16q24.3.
Variant type: single nucleotide variant.
Coding change: c.125G>T on transcript NM_004933.3 (MANE Select); coding-DNA position 125, G replaced by T.
Protein change: p.Arg42Leu; replaces arginine 42 with leucine.
Molecular consequence: missense variant.
Genome position (GRCh38, 1-based): chr16:89,179,498, G>T. VCF-style: chr16-89179498-G-T. GRCh37 (hg19) VCF-style: chr16-89245906-G-T.
Other names: short protein forms R42L.
Identifiers: ClinVar variation 4538359 (VCV004538359.1).
Genomic context (GRCh38, chr16:89,179,498, plus strand): 5'-TTCCTGGATGGAGGAGGCCCACCACCCTGTACCCCTGGCGCCGGGCGCCTGCCCTGAGCC[G>T]CGTGCGGAGGGCCTGGGTCATCCCCCCGATCAGCGTATCCGAGAACCACAAGCGTCTCCC-3'
Protein context (NP_004924.1, residues 32-52): YPWRRAPALS[Arg42Leu]VRRAWVIPPI

ClinVar aggregate classification (germline): Uncertain significance (1 of 4 stars; one submission).

Submission:

Greenwood Genetic Center Diagnostic Laboratories, Greenwood Genetic Center
Classification: Uncertain significance. Last evaluated: 2025-04-14. Review status: criteria provided, single submitter. Criteria: ACMG Guidelines, 2015. Collection method: clinical testing. Allele origin: germline. Affected: yes.
Comment: PM2, PP3